The following is an entry in ClinVar:

ClinVar aggregate classification (germline): Conflicting classifications of pathogenicity. Review status: criteria provided, conflicting classifications (1 of 4 stars). 4 submissions from 4 submitters: Uncertain significance (1); Likely benign (3). Last evaluated 2025-12-06.

Conditions:
VIPAS39-related disorder. Also called: VIPAS39-related condition.

Allele frequency attached by ClinVar (database versions not stated): gnomAD below 0.00001 and 0.00008; TOPMed 0.00002; gnomAD exomes 0.00014 and 0.00029; ExAC 0.00030; 1000 Genomes Project 30x 0.00031; 1000 Genomes Project 0.00040.
gnomAD v4.1: 218 of 1,614,078 alleles (0.014%); highest among the groups gnomAD compares: South Asian, 0.23%; 4 homozygotes.

Submissions (4):

Labcorp Genetics (formerly Invitae), Labcorp
Classification: Likely benign. Last evaluated: 2025-12-06. Review status: criteria provided, single submitter. Criteria: Invitae Variant Classification Sherloc (09022015). Collection method: clinical testing. Allele origin: germline.

PreventionGenetics, part of Exact Sciences
Classification: Likely benign for VIPAS39-related condition. Last evaluated: 2024-11-04. Review status: criteria provided, single submitter. Criteria: ACMG Guidelines, 2015. Collection method: clinical testing. Allele origin: germline.
Comment: This variant is classified as likely benign based on ACMG/AMP sequence variant interpretation guidelines (Richards et al. 2015 PMID: 25741868, with internal and published modifications).

Blueprint Genetics
Classification: Likely benign. Last evaluated: 2024-03-22. Review status: criteria provided, single submitter. Criteria: ACMG Guidelines, 2015. Collection method: clinical testing. Allele origin: germline.

Eurofins Ntd Llc (ga)
Classification: Uncertain significance. Last evaluated: 2018-01-29. Review status: criteria provided, single submitter. Criteria: EGL Classification Definitions 2015. Collection method: clinical testing. Allele origin: germline. Observed: 2 variant alleles, 2 heterozygotes.

NM_001193315.2(VIPAS39):c.110G>A (p.Arg37Gln)

Gene: VIPAS39 (VPS33B interacting protein, apical-basolateral polarity regulator, spe-39 homolog; minus strand). Cytogenetic location: 14q24.3.
Variant type: single nucleotide variant.
Coding change: c.110G>A on transcript NM_001193315.2 (MANE Select); coding-DNA position 110, G replaced by A.
Protein change: p.Arg37Gln; replaces arginine 37 with glutamine.
Molecular consequence: missense variant.
Genome position (GRCh38, 1-based): chr14:77,453,385, C>T on the plus strand (G>A on the coding strand, the complement: VIPAS39 is on the minus strand). VCF-style: chr14-77453385-C-T. GRCh37 (hg19) VCF-style: chr14-77919728-C-T.
Other names: c.110G>A, p.Arg37Gln (NM_001193314.2, NM_001193316.2, NM_001193317.2 and 1 more transcripts); c.110G>A (NM_022067.3); short protein forms R37Q.
Identifiers: ClinVar variation 593167 (VCV000593167.11), dbSNP rs537717904, ClinGen allele CA7288204.